The following is an entry in ClinVar:

ClinVar aggregate classification (germline): Uncertain significance (1 of 4 stars; one submission).

Conditions:
Renal carnitine transport defect (CDSP). Also called: Primary carnitine deficiency; Systemic primary carnitine deficiency disease; CARNITINE DEFICIENCY, SYSTEMIC, DUE TO DEFECT IN RENAL REABSORPTION OF CARNITINE; CARNITINE TRANSPORTER, PLASMA-MEMBRANE, DEFICIENCY OF; CARNITINE UPTAKE DEFECT; Systemic primary carnitine deficiency. Identifiers: Orphanet 158, MedGen C0342788, MONDO:0008919, OMIM 212140.

gnomAD v4.1: 2 of 1,612,082 alleles (0.00012%); highest among the groups gnomAD compares: Non-Finnish European, 0.00017%; no homozygotes.

Submission:

Myriad Genetics, Inc.
Classification: Uncertain significance for Renal carnitine transport defect. Last evaluated: 2026-07-30. Review status: criteria provided, single submitter. Criteria: Myriad Autosomal Dominant, Autosomal Recessive and X-Linked Classification Criteria (2023). Collection method: clinical testing. Allele origin: unknown.
Comment: NM_003060.3(SLC22A5):c.1031C>T(T344I) is a missense variant classified as a variant of uncertain significance in the context of primary carnitine deficiency. T344I has been observed in a case with relevant disease (PMID: 34729741). Relevant functional assessments of this variant are not available in the literature. T344I has not been observed in referenced population frequency databases. In summary, there is insufficient evidence to classify NM_003060.3(SLC22A5):c.1031C>T(T344I) as pathogenic or benign. Please note: this variant was assessed in the context of healthy population screening.

Literature cited by the submitters: PubMed 34729741.

NM_003060.4(SLC22A5):c.1031C>T (p.Thr344Ile)

Gene: SLC22A5 (solute carrier family 22 member 5; plus strand). Cytogenetic location: 5q31.1.
Variant type: single nucleotide variant.
Coding change: c.1031C>T on transcript NM_003060.4 (MANE Select); coding-DNA position 1031, C replaced by T.
Protein change: p.Thr344Ile; replaces threonine 344 with isoleucine.
Molecular consequence: missense variant.
Genome position (GRCh38, 1-based): chr5:132,389,000, C>T. VCF-style: chr5-132389000-C-T. GRCh37 (hg19) VCF-style: chr5-131724692-C-T.
Other names: c.1103C>T, p.Thr368Ile (NM_001308122.2); short protein forms T368I, T344I.
Identifiers: ClinVar variation 5003236 (VCV005003236.1).